The following is an entry in ClinVar:

ClinVar aggregate classification (germline): Likely benign. Review status: criteria provided, multiple submitters, no conflicts (2 of 4 stars). 3 submissions from 3 submitters: Likely benign (2). 1 of the submissions does not count toward it. Last evaluated 2025-09-24.

Conditions:
PTPN23-related disorder. Also called: PTPN23-related condition.

Submissions (3):

Labcorp Genetics (formerly Invitae), Labcorp
Classification: Likely benign. Last evaluated: 2025-09-24. Review status: criteria provided, single submitter. Criteria: Invitae Variant Classification Sherloc (09022015). Collection method: clinical testing. Allele origin: germline.

Blueprint Genetics
Classification: Likely benign. Last evaluated: 2024-10-01. Review status: criteria provided, single submitter. Criteria: ACMG Guidelines, 2015. Collection method: clinical testing. Allele origin: germline.

PreventionGenetics, part of Exact Sciences
Classification: Likely benign for PTPN23-related condition. Last evaluated: 2019-09-19. Review status: no assertion criteria provided. Collection method: clinical testing. Allele origin: germline. Not counted in ClinVar's aggregate classification.
Comment: This variant is classified as likely benign based on ACMG/AMP sequence variant interpretation guidelines (Richards et al. 2015 PMID: 25741868, with internal and published modifications).

NM_015466.4(PTPN23):c.4641C>G (p.Pro1547=)

Gene: PTPN23 (protein tyrosine phosphatase non-receptor type 23; plus strand). Cytogenetic location: 3p21.31.
Variant type: single nucleotide variant.
Coding change: c.4641C>G on transcript NM_015466.4 (MANE Select); coding-DNA position 4641, C replaced by G.
Protein change: p.Pro1547=; no amino-acid change (proline 1547 retained).
Molecular consequence: synonymous variant.
Genome position (GRCh38, 1-based): chr3:47,412,915, C>G. VCF-style: chr3-47412915-C-G. GRCh37 (hg19) VCF-style: chr3-47454405-C-G.
Other names: c.4263C>G, p.Pro1421= (NM_001304482.2); c.4641C>G (NM_015466.3).
Identifiers: ClinVar variation 1577621 (VCV001577621.11), dbSNP rs763008337, ClinGen allele CA2366670.
Genomic context (GRCh38, chr3:47,412,915, plus strand): 5'-AGGCCTCCCGCCAGCCAGCCTCCCAGAGTCTACCCCAATCCCATCTTCCTCCCCGCCCCC[C>G]CTTTCCTCCCCACTACCTGAGGCTCCCCAGCCTAAGGAGGAGCCGCCAGTGCCTGAAGCC-3'
Protein context (NP_056281.1, residues 1537-1557): STPIPSSSPP[Pro1547=]LSSPLPEAPQ